The following is an entry in ClinVar:

NM_001886.3(CRYBA4):c.158C>T (p.Ala53Val)

Gene: CRYBA4 (crystallin beta A4; plus strand). Cytogenetic location: 22q12.1.
Variant type: single nucleotide variant.
Coding change: c.158C>T on transcript NM_001886.3 (MANE Select); coding-DNA position 158, C replaced by T.
Protein change: p.Ala53Val; replaces alanine 53 with valine.
Molecular consequence: missense variant.
Genome position (GRCh38, 1-based): chr22:26,623,352, C>T. VCF-style: chr22-26623352-C-T. GRCh37 (hg19) VCF-style: chr22-27019316-C-T.
Other names: short protein forms A53V.
Identifiers: ClinVar variation 3704651 (VCV003704651.2).

ClinVar aggregate classification (germline): Uncertain significance (1 of 4 stars; one submission).

Conditions:
Cataract 23 (CTRCT23). Also called: CATARACT 23, LAMELLAR; Cataract 23, multiple types. Identifiers: Orphanet 91492, MedGen C3808012, MONDO:0012489, OMIM 610425.

gnomAD v4.1: 12 of 1,610,982 alleles (0.00074%); highest among the groups gnomAD compares: Admixed American, 0.005%; no homozygotes.

Submission:

Labcorp Genetics (formerly Invitae), Labcorp
Classification: Uncertain significance for Cataract 23. Last evaluated: 2024-09-16. Review status: criteria provided, single submitter. Criteria: Invitae Variant Classification Sherloc (09022015). Collection method: clinical testing. Allele origin: germline.
Comment: This sequence change replaces alanine, which is neutral and non-polar, with valine, which is neutral and non-polar, at codon 53 of the CRYBA4 protein (p.Ala53Val). This variant is present in population databases (rs766228651, gnomAD 0.003%). This variant has not been reported in the literature in individuals affected with CRYBA4-related conditions. An algorithm developed to predict the effect of missense changes on protein structure and function (PolyPhen-2) suggests that this variant is likely to be disruptive. In summary, the available evidence is currently insufficient to determine the role of this variant in disease. Therefore, it has been classified as a Variant of Uncertain Significance.